The following is an entry in ClinVar:

ClinVar aggregate classification (germline): Uncertain significance (1 of 4 stars; one submission).

Conditions:
Mitochondrial hypertrophic cardiomyopathy with lactic acidosis due to MTO1 deficiency. Also called: CARDIOMYOPATHY, INFANTILE HYPERTROPHIC MITOCHONDRIAL, AND LACTIC ACIDOSIS; Combined oxidative phosphorylation deficiency 10. Identifiers: Orphanet 314637, MedGen C4749921, MONDO:0013865, OMIM 614702.

Submission:

Labcorp Genetics (formerly Invitae), Labcorp
Classification: Uncertain significance for Mitochondrial hypertrophic cardiomyopathy with lactic acidosis due to MTO1 deficiency. Last evaluated: 2024-11-04. Review status: criteria provided, single submitter. Criteria: Invitae Variant Classification Sherloc (09022015). Collection method: clinical testing. Allele origin: germline.
Comment: This variant, c.567_569del, results in the deletion of 1 amino acid(s) of the MTO1 protein (p.Ile190del), but otherwise preserves the integrity of the reading frame. This variant is not present in population databases (gnomAD no frequency). This variant has not been reported in the literature in individuals affected with MTO1-related conditions. ClinVar contains an entry for this variant (Variation ID: 2090017). Experimental studies and prediction algorithms are not available or were not evaluated, and the functional significance of this variant is currently unknown. In summary, the available evidence is currently insufficient to determine the role of this variant in disease. Therefore, it has been classified as a Variant of Uncertain Significance.

NM_012123.4(MTO1):c.567_569del (p.Ile190del)

Gene: MTO1 (mitochondrial tRNA translation optimization 1; plus strand). Cytogenetic location: 6q13.
Variant type: Deletion.
Coding change: c.567_569del on transcript NM_012123.4 (MANE Select); coding-DNA positions 567 to 569, 3 bases deleted (GAT; older notation c.567_569delGAT).
Protein change: p.Ile190del; deletes isoleucine 190.
Molecular consequence: inframe deletion.
Genome position (GRCh38, 1-based): chr6:73,473,396-73,473,398, GAT deleted; deleting any 3 consecutive bases within chr6:73,473,395-73,473,398 gives the same sequence; the c. name uses the placement nearest the transcript's 3' end. VCF-style (leftmost placement, unchanged base first): chr6-73473394-GTGA-G. GRCh37 (hg19) VCF-style: chr6-74183117-GTGA-G.
Other names: c.567_569del, p.Ile190del (NM_001123226.2, NM_133645.3); short protein forms I190del.
Identifiers: ClinVar variation 2090017 (VCV002090017.4), dbSNP rs2533260718, ClinGen allele CA2580075755.